The following is an entry in ClinVar:

ClinVar aggregate classification (germline): Uncertain significance. Review status: criteria provided, multiple submitters, no conflicts (2 of 4 stars). 2 submissions from 2 submitters: Uncertain significance (2). Last evaluated 2025-10-29.

Conditions:
Inborn genetic diseases. Identifiers: MedGen C0950123, MeSH D030342.

gnomAD v4.1: 5 of 1,614,074 alleles (0.00031%); highest among the groups gnomAD compares: Non-Finnish European, 0.00034%; no homozygotes.

Submissions (2):

Labcorp Genetics (formerly Invitae), Labcorp
Classification: Uncertain significance. Last evaluated: 2025-10-29. Review status: criteria provided, single submitter. Criteria: Invitae Variant Classification Sherloc (09022015). Collection method: clinical testing. Allele origin: germline.
Comment: This sequence change replaces glycine, which is neutral and non-polar, with cysteine, which is neutral and slightly polar, at codon 405 of the FAM111A protein (p.Gly405Cys). This variant is present in population databases (no rsID available, gnomAD 0.002%). This variant has not been reported in the literature in individuals affected with FAM111A-related conditions. ClinVar contains an entry for this variant (Variation ID: 4020957). Invitae Evidence Modeling of protein sequence and biophysical properties (such as structural, functional, and spatial information, amino acid conservation, physicochemical variation, residue mobility, and thermodynamic stability) indicates that this missense variant is not expected to disrupt FAM111A protein function with a negative predictive value of 80%. In summary, the available evidence is currently insufficient to determine the role of this variant in disease. Therefore, it has been classified as a Variant of Uncertain Significance.

Ambry Genetics
Classification: Uncertain significance for Inborn genetic diseases. Last evaluated: 2025-06-07. Review status: criteria provided, single submitter. Criteria: Ambry Variant Classification Scheme 2023. Collection method: clinical testing. Allele origin: germline.

NM_001312909.2(FAM111A):c.1213G>T (p.Gly405Cys)

Gene: FAM111A (FAM111 trypsin like peptidase A; plus strand). Cytogenetic location: 11q12.1.
Variant type: single nucleotide variant.
Coding change: c.1213G>T on transcript NM_001312909.2 (MANE Select); coding-DNA position 1213, G replaced by T.
Protein change: p.Gly405Cys; replaces glycine 405 with cysteine.
Molecular consequence: missense variant.
Genome position (GRCh38, 1-based): chr11:59,152,881, G>T. VCF-style: chr11-59152881-G-T. GRCh37 (hg19) VCF-style: chr11-58920354-G-T.
Other names: c.1213G>T, p.Gly405Cys (NM_001142519.3, NM_001142520.3, NM_001142521.3 and 29 more transcripts); short protein forms G405C.
Identifiers: ClinVar variation 4020957 (VCV004020957.2).